The following is an entry in ClinVar:

NM_001366385.1(CARD14):c.463C>T (p.Gln155Ter)

Gene: CARD14 (caspase recruitment domain family member 14; plus strand). Cytogenetic location: 17q25.3.
Variant type: single nucleotide variant.
Coding change: c.463C>T on transcript NM_001366385.1 (MANE Select); coding-DNA position 463, C replaced by T.
Protein change: p.Gln155Ter; replaces glutamine 155 with a stop codon.
Molecular consequence: nonsense. On other transcripts: non-coding transcript variant (1).
Genome position (GRCh38, 1-based): chr17:80,184,026, C>T. VCF-style: chr17-80184026-C-T. GRCh37 (hg19) VCF-style: chr17-78157825-C-T.
Other names: c.463C>T, p.Gln155Ter (NM_001257970.1, NM_024110.4); short protein forms Q155*.
Identifiers: ClinVar variation 1044572 (VCV001044572.8), dbSNP rs777053396, ClinGen allele CA8816431.

ClinVar aggregate classification (germline): Uncertain significance (1 of 4 stars; one submission).

Conditions:
Psoriasis 2. Identifiers: MedGen C1864497, MONDO:0011269, OMIM 602723.
Pityriasis rubra pilaris (PRP). Also called: Pityriasis rubra pilaris--familial type. Identifiers: Orphanet 2897, MedGen C0032027, MONDO:0100017, OMIM 173200, MONDO:0008251.

Allele frequency attached by ClinVar (database versions not stated): gnomAD exomes below 0.00001; gnomAD 0.00001; ExAC 0.00002; TOPMed 0.00003.

Submission:

Labcorp Genetics (formerly Invitae), Labcorp
Classification: Uncertain significance for Pityriasis rubra pilaris; Psoriasis 2. Last evaluated: 2020-01-31. Review status: criteria provided, single submitter. Criteria: Invitae Variant Classification Sherloc (09022015). Collection method: clinical testing. Allele origin: germline.
Comment: This variant is present in population databases (rs777053396, ExAC 0.02%). In summary, the available evidence is currently insufficient to determine the role of this variant in disease. Therefore, it has been classified as a Variant of Uncertain Significance. The current clinical and genetic evidence is not sufficient to establish whether loss-of-function variants in CARD14 cause disease. This variant has not been reported in the literature in individuals with CARD14-related conditions. This sequence change creates a premature translational stop signal (p.Gln155*) in the CARD14 gene. It is expected to result in an absent or disrupted protein product.